The following is an entry in ClinVar:

NM_138694.4(PKHD1):c.89G>A (p.Gly30Asp)

Gene: PKHD1 (PKHD1 ciliary IPT domain containing fibrocystin/polyductin; minus strand). Cytogenetic location: 6p12.2.
Variant type: single nucleotide variant.
Coding change: c.89G>A on transcript NM_138694.4 (MANE Select); coding-DNA position 89, G replaced by A.
Protein change: p.Gly30Asp; replaces glycine 30 with aspartic acid.
Molecular consequence: missense variant.
Genome position (GRCh38, 1-based): chr6:52,083,219, C>T on the plus strand (G>A on the coding strand, the complement: PKHD1 is on the minus strand). VCF-style: chr6-52083219-C-T. GRCh37 (hg19) VCF-style: chr6-51948017-C-T.
Other names: c.89G>A, p.Gly30Asp (NM_170724.3); short protein forms G30D.
Identifiers: ClinVar variation 3775525 (VCV003775525.1).

ClinVar aggregate classification (germline): Uncertain significance (1 of 4 stars; one submission).

Conditions:
Polycystic kidney disease 4 (PKD4). Also called: POLYCYSTIC KIDNEY DISEASE 4 WITH OR WITHOUT POLYCYSTIC LIVER DISEASE; PKD3; Autosomal Recessive Polycystic Kidney Disease – PKHD1; POLYCYSTIC KIDNEY AND HEPATIC DISEASE 1; POLYCYSTIC KIDNEY DISEASE, INFANTILE, TYPE I. Identifiers: MedGen C4540575, MONDO:0033004, OMIM 263200.

Submission:

3billion
Classification: Uncertain significance for Polycystic kidney disease 4. Last evaluated: 2023-07-11. Review status: criteria provided, single submitter. Criteria: ACMG Guidelines, 2015. Collection method: clinical testing. Allele origin: germline. Affected: yes.
Comment: The variant is not observed in the gnomAD v2.1.1 dataset. Predicted Consequence/Location: Missense variant In silico tool predictions suggest damaging effect of the variant on gene or gene product (REVEL: 0.77; 3Cnet: 0.62). Therefore, this variant is classified as VUS according to the recommendation of ACMG/AMP guideline.